The following is an entry in ClinVar:

NM_015937.6(PIGT):c.806C>T (p.Thr269Met)

Gene: PIGT (phosphatidylinositol glycan anchor biosynthesis class T; plus strand). Cytogenetic location: 20q13.12.
Variant type: single nucleotide variant.
Coding change: c.806C>T on transcript NM_015937.6 (MANE Select); coding-DNA position 806, C replaced by T.
Protein change: p.Thr269Met; replaces threonine 269 with methionine.
Molecular consequence: missense variant. On other transcripts: non-coding transcript variant (5).
Genome position (GRCh38, 1-based): chr20:45,420,368, C>T. VCF-style: chr20-45420368-C-T. GRCh37 (hg19) VCF-style: chr20-44049008-C-T.
Other names: c.638C>T, p.Thr213Met (NM_001184728.3); c.806C>T, p.Thr269Met (NM_001184729.3); c.500C>T, p.Thr167Met (NM_001184730.3); short protein forms T269M, T167M, T213M.
Identifiers: ClinVar variation 377166 (VCV000377166.12), dbSNP rs149740779, ClinGen allele CA9878065.
Genomic context (GRCh38, chr20:45,420,368, plus strand): 5'-TCAGCCCTGCGCTCTGTTTCTCAGACTGGTCCCTCTTCCGGATGTTCTCCCGAACCCTCA[C>T]GGAGCCCTGCCCCCTGGCTTCAGAGAGCCGAGTCTATGTGGACATCACCACCTACAACCA-3'
Protein context (NP_057021.2, residues 259-279): SLFRMFSRTL[Thr269Met]EPCPLASESR

ClinVar aggregate classification (germline): Conflicting classifications of pathogenicity. Review status: criteria provided, conflicting classifications (1 of 4 stars). 5 submissions from 5 submitters: Uncertain significance (3); Likely benign (1). 1 of the submissions does not count toward it. Last evaluated 2026-07-06.

Conditions:
PIGT-related disorder.
Multiple congenital anomalies-hypotonia-seizures syndrome 3 (MCAHS3). Also called: GLYCOSYLPHOSPHATIDYLINOSITOL BIOSYNTHESIS DEFECT 7. Identifiers: Orphanet 369837, MedGen C3809356, MONDO:0014165, OMIM 615398.

Allele frequency attached by ClinVar (database versions not stated): gnomAD exomes 0.00053 and 0.00112; ExAC 0.00057; 1000 Genomes Project 0.00060; 1000 Genomes Project 30x 0.00062; ESP Exome Variant Server 0.00069; gnomAD 0.00071 and 0.00073; TOPMed 0.00071.

Submissions (5):

GeneDx
Classification: Uncertain significance. Last evaluated: 2026-07-06. Review status: criteria provided, single submitter. Criteria: GeneDx Variant Classification Process June 2021. Collection method: clinical testing. Allele origin: germline.
Comment: In silico analysis suggests that this missense variant does not alter protein structure/function; Has not been previously published as pathogenic or benign to our knowledge

Labcorp Genetics (formerly Invitae), Labcorp
Classification: Likely benign for Multiple congenital anomalies-hypotonia-seizures syndrome 3. Last evaluated: 2026-02-01. Review status: criteria provided, single submitter. Criteria: Invitae Variant Classification Sherloc (09022015). Collection method: clinical testing. Allele origin: germline.

Blueprint Genetics
Classification: Uncertain significance. Last evaluated: 2024-11-13. Review status: criteria provided, single submitter. Criteria: ACMG Guidelines, 2015. Collection method: clinical testing. Allele origin: germline.

Center for Pediatric Genomic Medicine, Children's Mercy Hospital and Clinics
Classification: Uncertain significance. Last evaluated: 2016-09-14. Review status: criteria provided, single submitter. Criteria: ACMG Guidelines, 2015. Collection method: clinical testing. Allele origin: germline.
ClinVar note: Converted during submission from Uncertain Significance to Uncertain significance.

PreventionGenetics, part of Exact Sciences
Classification: Likely benign for PIGT-related condition. Last evaluated: 2024-09-19. Review status: no assertion criteria provided. Collection method: clinical testing. Allele origin: germline. Not counted in ClinVar's aggregate classification.
Comment: This variant is classified as likely benign based on ACMG/AMP sequence variant interpretation guidelines (Richards et al. 2015 PMID: 25741868, with internal and published modifications).